The following is an entry in ClinVar:

ClinVar aggregate classification (germline): Conflicting classifications of pathogenicity. Review status: criteria provided, conflicting classifications (1 of 4 stars). 5 submissions from 5 submitters: Likely pathogenic (1); Uncertain significance (3). 1 of the submissions does not count toward it. Last evaluated 2026-02-02.

Conditions:
Multiple sulfatase deficiency (MSD). Also called: Multiple Sulfatase Deficiency Disease; Sulfatidosis, Juvenile, Austin Type; Mucosulfatidosis. Identifiers: Orphanet 585, MedGen C0268263, MONDO:0010088, OMIM 272200.

Allele frequency attached by ClinVar (database versions not stated): gnomAD exomes 0.00006; ExAC 0.00009; TOPMed 0.00009; gnomAD 0.00013 and 0.00014.
gnomAD v4.1: 118 of 1,610,574 alleles (0.0073%); highest among the groups gnomAD compares: African/African-American, 0.021%; no homozygotes.

Submissions (5):

Labcorp Genetics (formerly Invitae), Labcorp
Classification: Uncertain significance for Multiple sulfatase deficiency. Last evaluated: 2026-02-02. Review status: criteria provided, single submitter. Criteria: Invitae Variant Classification Sherloc (09022015). Collection method: clinical testing. Allele origin: germline.
Comment: This sequence change replaces leucine, which is neutral and non-polar, with phenylalanine, which is neutral and non-polar, at codon 20 of the SUMF1 protein (p.Leu20Phe). This variant is present in population databases (rs200142963, gnomAD 0.03%). This missense change has been observed in individual(s) with multiple sulfatase deficiency or clinical suspicion of lysosomal storage disease (PMID: 15146462, 30548430). ClinVar contains an entry for this variant (Variation ID: 552721). An algorithm developed to predict the effect of missense changes on protein structure and function outputs the following: PolyPhen-2: "Benign". The phenylalanine amino acid residue is found in multiple mammalian species, which suggests that this missense change does not adversely affect protein function. Experimental studies have shown that this missense change affects SUMF1 function (PMID: 15146462). In summary, the available evidence is currently insufficient to determine the role of this variant in disease. Therefore, it has been classified as a Variant of Uncertain Significance.

Blueprint Genetics
Classification: Uncertain significance. Last evaluated: 2024-11-14. Review status: criteria provided, single submitter. Criteria: ACMG Guidelines, 2015. Collection method: clinical testing. Allele origin: germline.

Women's Health and Genetics/Laboratory Corporation of America, LabCorp
Classification: Uncertain significance. Last evaluated: 2023-03-28. Review status: criteria provided, single submitter. Criteria: LabCorp Variant Classification Summary - May 2015. Collection method: clinical testing. Allele origin: germline.
Comment: Variant summary: SUMF1 c.58C>T (p.Leu20Phe) results in a non-conservative amino acid change in the encoded protein sequence. Four of five in-silico tools predict a benign effect of the variant on protein function. The variant allele was found at a frequency of 6.2e-05 in 240854 control chromosomes (gnomAD). This frequency is not significantly higher than estimated for a pathogenic variant in SUMF1 causing Multiple Sulfatase Deficiency (6.2e-05 vs 0.0011), allowing no conclusion about variant significance. c.58C>T has been reported in the literature in an individual with clinical features of Multiple Sulfatase Deficiency (example: Cosma_2004). These data do not allow any conclusion about variant significance. At least one publication reports experimental evidence evaluating an impact on protein function. The most pronounced variant effect results in approximately 40% of normal activity (example: Cosma_2004). Two clinical diagnostic laboratories have submitted clinical-significance assessments for this variant to ClinVar after 2014 and classified the variant as uncertain significance. Based on the evidence outlined above, the variant was classified as VUS-possibly pathogenic.

GeneDx
Classification: Likely pathogenic. Last evaluated: 2023-02-27. Review status: criteria provided, single submitter. Criteria: GeneDx Variant Classification Process June 2021. Collection method: clinical testing. Allele origin: germline. Affected: yes.
Comment: Published functional studies found this variant is associated with significantly reduced enzyme activity of multiple sulfatases (Cosma MP et al., 2004); In silico analysis supports that this missense variant does not alter protein structure/function; This variant is associated with the following publications: (PMID: 17657823, 26123021, 15146462, 30548430, 32620537, 19124046, 29431110)

Counsyl
Classification: Uncertain significance for Multiple sulfatase deficiency. Last evaluated: 2017-07-05. Review status: no assertion criteria provided. Collection method: clinical testing. Allele origin: unknown. Not counted in ClinVar's aggregate classification.

Literature cited by the submitters: PubMed 15146462 (cited by 3 submitters); PubMed 30548430 (cited by Labcorp Genetics (formerly Invitae), Labcorp and Women's Health and Genetics/Laboratory Corporation of America, LabCorp); PubMed 29431110 (cited by Women's Health and Genetics/Laboratory Corporation of America, LabCorp); PubMed 17657823 (cited by Counsyl).

NM_182760.4(SUMF1):c.58C>T (p.Leu20Phe)

Gene: SUMF1 (sulfatase modifying factor 1; minus strand). Cytogenetic location: 3p26.1.
Variant type: single nucleotide variant.
Coding change: c.58C>T on transcript NM_182760.4 (MANE Select); coding-DNA position 58, C replaced by T.
Protein change: p.Leu20Phe; replaces leucine 20 with phenylalanine.
Molecular consequence: missense variant.
Genome position (GRCh38, 1-based): chr3:4,467,188, G>A on the plus strand (C>T on the coding strand, the complement: SUMF1 is on the minus strand). VCF-style: chr3-4467188-G-A. GRCh37 (hg19) VCF-style: chr3-4508872-G-A.
Other names: c.58C>T, p.Leu20Phe (NM_001164674.2, NM_001164675.2); short protein forms L20F.
Identifiers: ClinVar variation 552721 (VCV000552721.7), dbSNP rs200142963, ClinGen allele CA2230729.